The following is an entry in ClinVar:

ClinVar aggregate classification (germline): Uncertain significance. Review status: criteria provided, multiple submitters, no conflicts (2 of 4 stars). 5 submissions from 5 submitters: Uncertain significance (5). Last evaluated 2025-08-04.

Conditions:
Inborn genetic diseases. Identifiers: MedGen C0950123, MeSH D030342.
Cobalamin C disease. Also called: Methylmalonic aciduria and homocystinuria, Vitamin B12-responsive; Vitamin B12 metabolic defect with combined deficiency of methylmalonyl-CoA mutase and homocysteine:methyltetrahydrofolate methyltransferase; methylmalonic aciduria and homocystinuria type cblC; Cobalamin-C methylmalonic acidemia and homocystinuria; Methylmalonic acidemia and homocystinuria cblC type; Methylmalonic aciduria with homocystinuria cblC type. Identifiers: Orphanet 26, Orphanet 79282, MedGen C1848561, MONDO:0010184, OMIM 277400.

Allele frequency attached by ClinVar (database versions not stated): TOPMed 0.00002; gnomAD 0.00001.

Submissions (5):

Ambry Genetics
Classification: Uncertain significance for Inborn genetic diseases. Last evaluated: 2025-08-04. Review status: criteria provided, single submitter. Criteria: Ambry Variant Classification Scheme 2023. Collection method: clinical testing. Allele origin: germline.

Labcorp Genetics (formerly Invitae), Labcorp
Classification: Uncertain significance for Cobalamin C disease. Last evaluated: 2023-12-07. Review status: criteria provided, single submitter. Criteria: Invitae Variant Classification Sherloc (09022015). Collection method: clinical testing. Allele origin: germline.
Comment: This sequence change replaces methionine, which is neutral and non-polar, with isoleucine, which is neutral and non-polar, at codon 74 of the MMACHC protein (p.Met74Ile). This variant is present in population databases (rs772225967, gnomAD 0.004%). This variant has not been reported in the literature in individuals affected with MMACHC-related conditions. ClinVar contains an entry for this variant (Variation ID: 1693904). Advanced modeling of protein sequence and biophysical properties (such as structural, functional, and spatial information, amino acid conservation, physicochemical variation, residue mobility, and thermodynamic stability) has been performed at Invitae for this missense variant, however the output from this modeling did not meet the statistical confidence thresholds required to predict the impact of this variant on MMACHC protein function. In summary, the available evidence is currently insufficient to determine the role of this variant in disease. Therefore, it has been classified as a Variant of Uncertain Significance.

Genome-Nilou Lab
Classification: Uncertain significance for Cobalamin C disease. Last evaluated: 2023-04-11. Review status: criteria provided, single submitter. Criteria: ACMG Guidelines, 2015. Collection method: clinical testing. Allele origin: germline. Affected: no.

Fulgent Genetics
Classification: Uncertain significance for Cobalamin C disease. Last evaluated: 2021-09-01. Review status: criteria provided, single submitter. Criteria: ACMG Guidelines, 2015. Collection method: clinical testing. Allele origin: unknown.

Mayo Clinic Laboratories, Mayo Clinic
Classification: Uncertain significance. Last evaluated: 2021-08-16. Review status: criteria provided, single submitter. Criteria: ACMG Guidelines, 2015. Collection method: clinical testing. Allele origin: germline.

NM_015506.3(MMACHC):c.222G>C (p.Met74Ile)

Gene: MMACHC (metabolism of cobalamin associated C; plus strand). Cytogenetic location: 1p34.1.
Variant type: single nucleotide variant.
Coding change: c.222G>C on transcript NM_015506.3 (MANE Select); coding-DNA position 222, G replaced by C.
Protein change: p.Met74Ile; replaces methionine 74 with isoleucine.
Molecular consequence: missense variant.
Genome position (GRCh38, 1-based): chr1:45,507,496, G>C. VCF-style: chr1-45507496-G-C. GRCh37 (hg19) VCF-style: chr1-45973168-G-C.
Other names: p.Met74Ile; c.51G>C, p.Met17Ile (NM_001330540.2); short protein forms M17I, M74I.
Identifiers: ClinVar variation 1693904 (VCV001693904.10), dbSNP rs772225967, ClinGen allele CA827666.